The following is an entry in ClinVar:

NM_001605.3(AARS1):c.1628A>G (p.Tyr543Cys)

Gene: AARS1 (alanyl-tRNA synthetase 1; minus strand). Cytogenetic location: 16q22.1.
Variant type: single nucleotide variant.
Coding change: c.1628A>G on transcript NM_001605.3 (MANE Select); coding-DNA position 1628, A replaced by G.
Protein change: p.Tyr543Cys; replaces tyrosine 543 with cysteine.
Molecular consequence: missense variant.
Genome position (GRCh38, 1-based): chr16:70,262,389, T>C on the plus strand (A>G on the coding strand, the complement: AARS1 is on the minus strand). VCF-style: chr16-70262389-T-C. GRCh37 (hg19) VCF-style: chr16-70296292-T-C.
Other names: short protein forms Y543C.
Identifiers: ClinVar variation 3693373 (VCV003693373.2).

ClinVar aggregate classification (germline): Uncertain significance (1 of 4 stars; one submission).

Conditions:
Charcot-Marie-Tooth disease type 2. Also called: Charcot-Marie-Tooth type 2. Identifiers: Orphanet 64746, MedGen C0270914, MONDO:0018993.

gnomAD v4.1: 5 of 1,614,208 alleles (0.00031%); highest among the groups gnomAD compares: South Asian, 0.0022%; no homozygotes.

Submission:

Labcorp Genetics (formerly Invitae), Labcorp
Classification: Uncertain significance for Charcot-Marie-Tooth disease type 2. Last evaluated: 2024-07-21. Review status: criteria provided, single submitter. Criteria: Invitae Variant Classification Sherloc (09022015). Collection method: clinical testing. Allele origin: germline.
Comment: This sequence change replaces tyrosine, which is neutral and polar, with cysteine, which is neutral and slightly polar, at codon 543 of the AARS protein (p.Tyr543Cys). This variant is present in population databases (no rsID available, gnomAD 0.003%). This variant has not been reported in the literature in individuals affected with AARS-related conditions. Advanced modeling of protein sequence and biophysical properties (such as structural, functional, and spatial information, amino acid conservation, physicochemical variation, residue mobility, and thermodynamic stability) performed at Invitae indicates that this missense variant is not expected to disrupt AARS protein function with a negative predictive value of 95%. In summary, the available evidence is currently insufficient to determine the role of this variant in disease. Therefore, it has been classified as a Variant of Uncertain Significance.